The following is an entry in ClinVar:

ClinVar aggregate classification (germline): Uncertain significance. Review status: criteria provided, multiple submitters, no conflicts (2 of 4 stars). 2 submissions from 2 submitters: Uncertain significance (2). Last evaluated 2024-09-10.

Conditions:
Sclerosteosis 2 (SOST2). Identifiers: Orphanet 3152, MedGen C3280402, MONDO:0013679, OMIM 614305.
Congenital myasthenic syndrome 17. Identifiers: Orphanet 590, MedGen C4225377, MONDO:0014578, OMIM 616304.
Cenani-Lenz syndactyly syndrome. Also called: CENANI SYNDACTYLISM; SYNDACTYLY, TYPE VII. Identifiers: Orphanet 3258, MedGen C1859309, MONDO:0008931, OMIM 212780.

Allele frequency attached by ClinVar (database versions not stated): gnomAD 0.00002; TOPMed 0.00004; ESP Exome Variant Server 0.00008.
gnomAD v4.1: 64 of 1,613,856 alleles (0.004%); highest among the groups gnomAD compares: Non-Finnish European, 0.0051%; no homozygotes.

Submissions (2):

Revvity Omics, Revvity
Classification: Uncertain significance. Last evaluated: 2024-09-10. Review status: criteria provided, single submitter. Criteria: ACMG Guidelines, 2015. Collection method: clinical testing. Allele origin: germline.

Labcorp Genetics (formerly Invitae), Labcorp
Classification: Uncertain significance for Cenani-Lenz syndactyly syndrome; Sclerosteosis 2; Congenital myasthenic syndrome 17. Last evaluated: 2022-05-16. Review status: criteria provided, single submitter. Criteria: Invitae Variant Classification Sherloc (09022015). Collection method: clinical testing. Allele origin: germline.
Comment: This variant has not been reported in the literature in individuals affected with LRP4-related conditions. This variant is present in population databases (rs376844404, gnomAD 0.004%). This sequence change replaces proline, which is neutral and non-polar, with serine, which is neutral and polar, at codon 1067 of the LRP4 protein (p.Pro1067Ser). Algorithms developed to predict the effect of missense changes on protein structure and function (SIFT, PolyPhen-2, Align-GVGD) all suggest that this variant is likely to be disruptive. In summary, the available evidence is currently insufficient to determine the role of this variant in disease. Therefore, it has been classified as a Variant of Uncertain Significance.

NM_002334.4(LRP4):c.3199C>T (p.Pro1067Ser)

Gene: LRP4 (LDL receptor related protein 4; minus strand). Cytogenetic location: 11p11.2.
Variant type: single nucleotide variant.
Coding change: c.3199C>T on transcript NM_002334.4 (MANE Select); coding-DNA position 3199, C replaced by T.
Protein change: p.Pro1067Ser; replaces proline 1067 with serine.
Molecular consequence: missense variant.
Genome position (GRCh38, 1-based): chr11:46,877,277, G>A on the plus strand (C>T on the coding strand, the complement: LRP4 is on the minus strand). VCF-style: chr11-46877277-G-A. GRCh37 (hg19) VCF-style: chr11-46898828-G-A.
Other names: short protein forms P1067S.
Identifiers: ClinVar variation 1936862 (VCV001936862.4), dbSNP rs376844404, ClinGen allele CA5969669.